The following is an entry in ClinVar:

NM_032383.5(HPS3):c.2834dup (p.Arg946fs)

Genes: CP (ceruloplasmin; minus strand), HPS3 (HPS3 biogenesis of lysosomal organelles complex 2 subunit 1; plus strand). Cytogenetic location: 3q24.
Variant type: Duplication.
Coding change: c.2834dup on transcript NM_032383.5 (MANE Select); coding-DNA position 2834, one base duplicated (A; older notation c.2834dupA).
Protein change: p.Arg946fs; shifts the reading frame from arginine 946.
Molecular consequence: frameshift variant.
Genome position (GRCh38, 1-based): chr3:149,167,930, A duplicated. VCF-style (leftmost placement, unchanged base first): chr3-149167929-C-CA. GRCh37 (hg19) VCF-style: chr3-148885716-C-CA.
Other names: c.2339dup, p.Arg781fs (NM_001308258.2); short protein forms R781fs, R946fs.
Identifiers: ClinVar variation 1501809 (VCV001501809.1), dbSNP rs2108187120, ClinGen allele CA2573136589.

ClinVar aggregate classification (germline): Uncertain significance (1 of 4 stars; one submission).

Submission:

Labcorp Genetics (formerly Invitae), Labcorp
Classification: Uncertain significance. Last evaluated: 2021-01-11. Review status: criteria provided, single submitter. Criteria: Invitae Variant Classification Sherloc (09022015). Collection method: clinical testing. Allele origin: germline.
Comment: This sequence change results in a frameshift in the HPS3 gene (p.Arg946Glufs*72). While this is not anticipated to result in nonsense mediated decay, it is expected to disrupt the last 59 amino acid(s) of the HPS3 protein and extend the protein by 12 additional amino acid residues. This variant is not present in population databases (ExAC no frequency). This variant has not been reported in the literature in individuals with HPS3-related conditions. Experimental studies and prediction algorithms are not available or were not evaluated, and the functional significance of this variant is currently unknown. In summary, the available evidence is currently insufficient to determine the role of this variant in disease. Therefore, it has been classified as a Variant of Uncertain Significance.